The following is an entry in ClinVar:

NM_000147.5(FUCA1):c.755A>G (p.Asp252Gly)

Gene: FUCA1 (alpha-L-fucosidase 1; minus strand). Cytogenetic location: 1p36.11.
Variant type: single nucleotide variant.
Coding change: c.755A>G on transcript NM_000147.5 (MANE Select); coding-DNA position 755, A replaced by G.
Protein change: p.Asp252Gly; replaces aspartic acid 252 with glycine.
Molecular consequence: missense variant.
Genome position (GRCh38, 1-based): chr1:23,859,811, T>C on the plus strand (A>G on the coding strand, the complement: FUCA1 is on the minus strand). VCF-style: chr1-23859811-T-C. GRCh37 (hg19) VCF-style: chr1-24186301-T-C.
Other names: short protein forms D252G.
Identifiers: ClinVar variation 1492291 (VCV001492291.5), dbSNP rs779515820, ClinGen allele CA339004893.
Genomic context (GRCh38, chr1:23,859,811, plus strand): 5'-CTTTCTTTCTTCATAGGAGATAAATAAGAAGTCATATAATCACATACCTTGACAGGGCTG[T>C]CATTGTAGAGCCATGAAAGAAAATTTGTGGAGTTCCAGTAAGTATCAGGACATTCCCACT-3'
Protein context (NP_000138.2, residues 242-262): STNFLSWLYN[Asp252Gly]SPVKDEVVVN

ClinVar aggregate classification (germline): Uncertain significance (1 of 4 stars; one submission).

Conditions:
Fucosidosis. Also called: ALPHA-L-FUCOSIDASE DEFICIENCY. Identifiers: Orphanet 349, MedGen C0016788, MONDO:0009254, OMIM 230000.

Submission:

Labcorp Genetics (formerly Invitae), Labcorp
Classification: Uncertain significance for Fucosidosis. Last evaluated: 2021-08-30. Review status: criteria provided, single submitter. Criteria: Invitae Variant Classification Sherloc (09022015). Collection method: clinical testing. Allele origin: germline.
Comment: This sequence change replaces aspartic acid with glycine at codon 252 of the FUCA1 protein (p.Asp252Gly). The aspartic acid residue is moderately conserved and there is a moderate physicochemical difference between aspartic acid and glycine. This variant is not present in population databases (ExAC no frequency). This variant has not been reported in the literature in individuals affected with FUCA1-related conditions. Algorithms developed to predict the effect of missense changes on protein structure and function are either unavailable or do not agree on the potential impact of this missense change (SIFT: "Deleterious"; PolyPhen-2: "Probably Damaging"; Align-GVGD: "Class C0"). In summary, the available evidence is currently insufficient to determine the role of this variant in disease. Therefore, it has been classified as a Variant of Uncertain Significance.